The following is an entry in ClinVar:

NM_000179.3(MSH6):c.3573T>A (p.Phe1191Leu)

Gene: MSH6 (mutS homolog 6; plus strand). Cytogenetic location: 2p16.3.
Variant type: single nucleotide variant.
Coding change: c.3573T>A on transcript NM_000179.3 (MANE Select); coding-DNA position 3573, T replaced by A.
Protein change: p.Phe1191Leu; replaces phenylalanine 1191 with leucine.
Molecular consequence: missense variant. On other transcripts: non-coding transcript variant (5).
Genome position (GRCh38, 1-based): chr2:47,805,634, T>A. VCF-style: chr2-47805634-T-A. GRCh37 (hg19) VCF-style: chr2-48032773-T-A.
Other names: c.3183T>A, p.Phe1061Leu (NM_001281492.2); c.2667T>A, p.Phe889Leu (NM_001281493.2, NM_001281494.2, NM_001406811.1 and 6 more transcripts); c.3669T>A, p.Phe1223Leu (NM_001406795.1, NM_001406802.1); c.3573T>A, p.Phe1191Leu (NM_001406796.1, NM_001406800.1, NM_001406808.1 and 1 more transcripts); c.3276T>A, p.Phe1092Leu (NM_001406797.1, NM_001406801.1, NM_001406805.1 and 10 more transcripts); c.3399T>A, p.Phe1133Leu (NM_001406798.1); c.3048T>A, p.Phe1016Leu (NM_001406799.1, NM_001406806.1, NM_001406807.1); c.2709T>A, p.Phe903Leu (NM_001406803.1); and 7 more; short protein forms F1061L, F1133L, F1165L, F1191L, F140L, F903L, F1223L, F506L.
Identifiers: ClinVar variation 2587369 (VCV002587369.2), dbSNP rs1558390698, ClinGen allele CA346760491.

ClinVar aggregate classification (germline): Uncertain significance (1 of 4 stars; one submission).

Conditions:
Hereditary cancer-predisposing syndrome. Also called: Tumor predisposition; Hereditary Cancer Syndrome; Hereditary neoplastic syndrome; Neoplastic Syndromes, Hereditary. Identifiers: Orphanet 140162, MedGen C0027672, MeSH D009386, MONDO:0015356.

Submission:

Ambry Genetics
Classification: Uncertain significance for Hereditary cancer-predisposing syndrome. Last evaluated: 2023-09-11. Review status: criteria provided, single submitter. Criteria: Ambry Variant Classification Scheme 2023. Collection method: clinical testing. Allele origin: germline.
Comment: The p.F1191L variant (also known as c.3573T>A), located in coding exon 7 of the MSH6 gene, results from a T to A substitution at nucleotide position 3573. The phenylalanine at codon 1191 is replaced by leucine, an amino acid with highly similar properties. This amino acid position is conserved. In addition, the in silico prediction for this alteration is inconclusive. Since supporting evidence is limited at this time, the clinical significance of this alteration remains unclear.